The following is an entry in ClinVar:

ClinVar aggregate classification (germline): Uncertain significance. Review status: criteria provided, multiple submitters, no conflicts (2 of 4 stars). 2 submissions from 2 submitters: Uncertain significance (2). Last evaluated 2025-01-23.

Conditions:
Inborn genetic diseases. Identifiers: MedGen C0950123, MeSH D030342.

Allele frequency attached by ClinVar (database versions not stated): ExAC 0.00003; gnomAD 0.00003; TOPMed 0.00003; gnomAD exomes 0.00005 and 0.00007.
gnomAD v4.1: 107 of 1,613,122 alleles (0.0066%); highest among the groups gnomAD compares: Admixed American, 0.01%; no homozygotes.

Submissions (2):

Labcorp Genetics (formerly Invitae), Labcorp
Classification: Uncertain significance. Last evaluated: 2025-01-23. Review status: criteria provided, single submitter. Criteria: Invitae Variant Classification Sherloc (09022015). Collection method: clinical testing. Allele origin: germline.
Comment: This sequence change replaces threonine, which is neutral and polar, with proline, which is neutral and non-polar, at codon 2198 of the SPEG protein (p.Thr2198Pro). This variant is present in population databases (rs751532531, gnomAD 0.01%). This variant has not been reported in the literature in individuals affected with SPEG-related conditions. ClinVar contains an entry for this variant (Variation ID: 1470504). An algorithm developed to predict the effect of missense changes on protein structure and function outputs the following: PolyPhen-2: "Benign". The proline amino acid residue is found in multiple mammalian species, which suggests that this missense change does not adversely affect protein function. In summary, the available evidence is currently insufficient to determine the role of this variant in disease. Therefore, it has been classified as a Variant of Uncertain Significance.

Ambry Genetics
Classification: Uncertain significance for Inborn genetic diseases. Last evaluated: 2023-07-17. Review status: criteria provided, single submitter. Criteria: Ambry Variant Classification Scheme 2023. Collection method: clinical testing. Allele origin: germline.

NM_005876.5(SPEG):c.6592A>C (p.Thr2198Pro)

Genes: ASIC4-AS1 (ASIC4 antisense RNA 1; minus strand), SPEG (striated muscle enriched protein kinase; plus strand). Cytogenetic location: 2q35.
Variant type: single nucleotide variant.
Coding change: c.6592A>C on transcript NM_005876.5 (MANE Select); coding-DNA position 6592, A replaced by C.
Protein change: p.Thr2198Pro; replaces threonine 2198 with proline.
Molecular consequence: missense variant.
Genome position (GRCh38, 1-based): chr2:219,484,055, A>C. VCF-style: chr2-219484055-A-C. GRCh37 (hg19) VCF-style: chr2-220348777-A-C.
Other names: c.6592A>C (NM_005876.4); short protein forms T2198P.
Identifiers: ClinVar variation 1470504 (VCV001470504.8), dbSNP rs751532531, ClinGen allele CA2127059.